The following is an entry in ClinVar:

ClinVar aggregate classification (germline): Likely benign. Review status: criteria provided, multiple submitters, no conflicts (2 of 4 stars). 2 submissions from 2 submitters: Likely benign (2). Last evaluated 2026-05-13.

Conditions:
Neurofibromatosis, type 1 (NF1). Also called: VON RECKLINGHAUSEN DISEASE; Neurofibromatosis, type I; NEUROFIBROMATOSIS, TYPE I, SOMATIC; Peripheral type neurofibromatosis. Identifiers: Orphanet 636, MedGen C0027831, MONDO:0018975, OMIM 162200. Disease mechanism: loss of function.

Submissions (2):

Myriad Genetics, Inc.
Classification: Likely benign for Neurofibromatosis, type 1. Last evaluated: 2026-05-13. Review status: criteria provided, single submitter. Criteria: Myriad Autosomal Dominant, Autosomal Recessive and X-Linked Classification Criteria (2023). Collection method: clinical testing. Allele origin: unknown.
Comment: This variant is considered likely benign. This variant is intronic and is not expected to impact mRNA splicing.

Labcorp Genetics (formerly Invitae), Labcorp
Classification: Likely benign for Neurofibromatosis, type 1. Last evaluated: 2025-05-05. Review status: criteria provided, single submitter. Criteria: Invitae Variant Classification Sherloc (09022015). Collection method: clinical testing. Allele origin: germline.

NM_001042492.3(NF1):c.5269-20C>T

Gene: NF1 (neurofibromin 1; plus strand). Cytogenetic location: 17q11.2.
Variant type: single nucleotide variant.
Coding change: c.5269-20C>T on transcript NM_001042492.3 (MANE Select); 20 bases into the intron before coding-DNA position 5269, C replaced by T.
Molecular consequence: intron variant.
Genome position (GRCh38, 1-based): chr17:31,327,479, C>T. VCF-style: chr17-31327479-C-T. GRCh37 (hg19) VCF-style: chr17-29654497-C-T.
Other names: c.5206-20C>T (NM_000267.4).
Identifiers: ClinVar variation 1548087 (VCV001548087.9), dbSNP rs2151540678, ClinGen allele CA2573153393.